The following is an entry in ClinVar:

NM_006063.3(KLHL41):c.678del (p.Leu226_Met227insTer)

Gene: KLHL41 (kelch like family member 41; plus strand). Cytogenetic location: 2q31.1.
Variant type: Deletion.
Coding change: c.678del on transcript NM_006063.3 (MANE Select); coding-DNA position 678, one base deleted (T; older notation c.678delT).
Protein change: p.Leu226_Met227insTer.
Molecular consequence: frameshift variant.
Genome position (GRCh38, 1-based): chr2:169,510,456, T deleted; the last of 2 consecutive T bases (chr2:169,510,455-169,510,456); deleting either gives the same sequence. VCF-style (leftmost placement, unchanged base first): chr2-169510454-CT-C. GRCh37 (hg19) VCF-style: chr2-170366964-CT-C.
Identifiers: ClinVar variation 4725975 (VCV004725975.1).

ClinVar aggregate classification (germline): Pathogenic (1 of 4 stars; one submission).

Conditions:
Nemaline myopathy 9 (NEM9). Identifiers: MedGen C3810384, MONDO:0014326, OMIM 615731.

Submission:

Labcorp Genetics (formerly Invitae), Labcorp
Classification: Pathogenic for Nemaline myopathy 9. Last evaluated: 2025-08-24. Review status: criteria provided, single submitter. Criteria: Invitae Variant Classification Sherloc (09022015). Collection method: clinical testing. Allele origin: germline.
Comment: This sequence change creates a premature translational stop signal (p.Met227*) in the KLHL41 gene. It is expected to result in an absent or disrupted protein product. Loss-of-function variants in KLHL41 are known to be pathogenic (PMID: 24268659). This variant is not present in population databases (gnomAD no frequency). This variant has not been reported in the literature in individuals affected with KLHL41-related conditions. For these reasons, this variant has been classified as Pathogenic.

Literature cited by the submitters: PubMed 24268659.